The following is an entry in ClinVar:

NM_001375567.1(FOCAD):c.4729-8_4729-5dup

Gene: FOCAD (focadhesin; plus strand). Cytogenetic location: 9p21.3.
Variant type: Duplication.
Coding change: c.4729-8_4729-5dup on transcript NM_001375567.1 (MANE Select); 8 bases into the intron before coding-DNA position 4729 through 5 bases into the intron before coding-DNA position 4729, 4 bases duplicated (TTTT; older notation c.4729-8_4729-5dupTTTT).
Molecular consequence: intron variant.
Genome position (GRCh38, 1-based): chr9:20,986,280-20,986,283, TTTT duplicated; duplicating any 4 consecutive bases within chr9:20,986,267-20,986,283 gives the same sequence; the c. name uses the placement nearest the transcript's 3' end. VCF-style (leftmost placement, unchanged base first): chr9-20986266-A-ATTTT. GRCh37 (hg19) VCF-style: chr9-20986265-A-ATTTT.
Other names: c.4729-8_4729-5dup (NM_017794.5); c.4624-8_4624-5dup (NM_001375568.1, NM_001375570.1).
Identifiers: ClinVar variation 3042803 (VCV003042803.2), dbSNP rs545976303, ClinGen allele CA862073092.
Genomic context (GRCh38, chr9:20,986,266, plus strand): 5'-TGTTTTGCCCTTGCCCTGAAATTCTGTAGCTACTTCAGTTAATTTAATAGTAACTAAACA[A>ATTTT]TTTTTTTTTTTTTTTTTGCAGAGCAACATAGAAAAAGCTGCCTTTGTCAAACTGTACTTA-3'

ClinVar aggregate classification (germline): Likely benign (0 of 4 stars; one submission).

Conditions:
FOCAD-related disorder. Also called: FOCAD-related condition.

Submission:

PreventionGenetics, part of Exact Sciences
Classification: Likely benign for FOCAD-related condition. Last evaluated: 2019-03-20. Review status: no assertion criteria provided. Collection method: clinical testing. Allele origin: germline.
Comment: This variant is classified as likely benign based on ACMG/AMP sequence variant interpretation guidelines (Richards et al. 2015 PMID: 25741868, with internal and published modifications).